The following is an entry in ClinVar:

ClinVar aggregate classification (germline): Pathogenic. Review status: criteria provided, single submitter (1 of 4 stars). 2 submissions from 2 submitters: Pathogenic (1). 1 of the submissions does not count toward it. Last evaluated 2023-09-20.

Conditions:
Finnish congenital nephrotic syndrome (NPHS1). Also called: NEPHROTIC SYNDROME, TYPE 1. Identifiers: Orphanet 839, MedGen C0403399, MONDO:0009732, OMIM 256300.

Submissions (2):

Baylor Genetics
Classification: Pathogenic for Finnish congenital nephrotic syndrome. Last evaluated: 2023-09-20. Review status: criteria provided, single submitter. Criteria: ACMG Guidelines, 2015. Collection method: clinical testing. Allele origin: unknown.

Juha Muilu Group; Institute for Molecular Medicine Finland (FIMM)
Classification: Likely pathogenic for Finnish congenital nephrotic syndrome. Review status: no assertion criteria provided. Collection method: not provided. Allele origin: unknown. Not counted in ClinVar's aggregate classification.
Comment: FinDis database variant: FinDis database variant: This variant was not found or characterized by our laboratory, data were collected from public sources: see reference
ClinVar note: Converted during submission from probable-pathogenic to Likely pathogenic.

NM_004646.4(NPHS1):c.479G>C (p.Cys160Ser)

Gene: NPHS1 (NPHS1 adhesion molecule, nephrin; minus strand). Cytogenetic location: 19q13.12.
Variant type: single nucleotide variant.
Coding change: c.479G>C on transcript NM_004646.4 (MANE Select); coding-DNA position 479, G replaced by C.
Protein change: p.Cys160Ser; replaces cysteine 160 with serine.
Molecular consequence: missense variant.
Genome position (GRCh38, 1-based): chr19:35,851,008, C>G on the plus strand (G>C on the coding strand, the complement: NPHS1 is on the minus strand). VCF-style: chr19-35851008-C-G. GRCh37 (hg19) VCF-style: chr19-36341910-C-G.
Other names: short protein forms C160S.
Identifiers: ClinVar variation 56506 (VCV000056506.3), dbSNP rs386833944, ClinGen allele CA250240.